The following is an entry in ClinVar:

NM_005219.5(DIAPH1):c.3306C>G (p.Asn1102Lys)

Gene: DIAPH1 (diaphanous related formin 1; minus strand). Cytogenetic location: 5q31.3.
Variant type: single nucleotide variant.
Coding change: c.3306C>G on transcript NM_005219.5 (MANE Select); coding-DNA position 3306, C replaced by G.
Protein change: p.Asn1102Lys; replaces asparagine 1102 with lysine.
Molecular consequence: missense variant.
Genome position (GRCh38, 1-based): chr5:141,526,429, G>C on the plus strand (C>G on the coding strand, the complement: DIAPH1 is on the minus strand). VCF-style: chr5-141526429-G-C. GRCh37 (hg19) VCF-style: chr5-140905996-G-C.
Other names: c.3279C>G, p.Asn1093Lys (NM_001079812.3); c.3306C>G, p.Asn1102Lys (NM_001314007.2); short protein forms N1102K, N1093K.
Identifiers: ClinVar variation 2929076 (VCV002929076.3), dbSNP rs2513618985, ClinGen allele CA361579176.

ClinVar aggregate classification (germline): Uncertain significance (1 of 4 stars; one submission).

Conditions:
Autosomal dominant nonsyndromic hearing loss 1. Also called: KONIGSMARK SYNDROME; DEAFNESS, AUTOSOMAL DOMINANT 1, WITH OR WITHOUT THROMBOCYTOPENIA. Identifiers: Orphanet 90635, MedGen C1852282, MONDO:0007424, OMIM 124900.
Progressive microcephaly-seizures-cortical blindness-developmental delay syndrome. Also called: Seizures, cortical blindness, and microcephaly syndrome. Identifiers: Orphanet 477814, MedGen C5567650, MONDO:0014714, OMIM 616632.

Submission:

Labcorp Genetics (formerly Invitae), Labcorp
Classification: Uncertain significance for Progressive microcephaly-seizures-cortical blindness-developmental delay syndrome; Autosomal dominant nonsyndromic hearing loss 1. Last evaluated: 2024-01-07. Review status: criteria provided, single submitter. Criteria: Invitae Variant Classification Sherloc (09022015). Collection method: clinical testing. Allele origin: germline.
Comment: This sequence change replaces asparagine, which is neutral and polar, with lysine, which is basic and polar, at codon 1102 of the DIAPH1 protein (p.Asn1102Lys). This variant is not present in population databases (gnomAD no frequency). This variant has not been reported in the literature in individuals affected with DIAPH1-related conditions. An algorithm developed to predict the effect of missense changes on protein structure and function (PolyPhen-2) suggests that this variant is likely to be tolerated. In summary, the available evidence is currently insufficient to determine the role of this variant in disease. Therefore, it has been classified as a Variant of Uncertain Significance.